The following is an entry in ClinVar:

NM_175875.5(SIX5):c.549G>A (p.Val183=)

Genes: DM1-AS (DM1 locus antisense RNA; plus strand), SIX5 (SIX homeobox 5; minus strand), LOC107075317 (origin of replication in DMPK trinucleotide repeat region; plus strand). Cytogenetic location: 19q13.32.
Variant type: single nucleotide variant.
Coding change: c.549G>A on transcript NM_175875.5 (MANE Select); coding-DNA position 549, G replaced by A.
Protein change: p.Val183=; no amino-acid change (valine 183 retained).
Molecular consequence: synonymous variant.
Genome position (GRCh38, 1-based): chr19:45,768,296, C>T on the plus strand (G>A on the coding strand, the complement: SIX5 is on the minus strand). VCF-style: chr19-45768296-C-T. GRCh37 (hg19) VCF-style: chr19-46271554-C-T.
Other names: c.549G>A (NM_175875.4).
Identifiers: ClinVar variation 596384 (VCV000596384.12), dbSNP rs143904307, ClinGen allele CA9520826.
Genomic context (GRCh38, chr19:45,768,296, plus strand): 5'-CTCCTCGCCGTCCCAGATGGTCTTGGGCAGCGGGAACTTCTTGCGCAGTCGATACTTGTC[C>T]ACTGCGCCAAGCGCGCGGCCGCGGGCCCGCTCGGCCTCATGGTAGCGCGCGCGCAGGTAG-3'
Protein context (NP_787071.3, residues 173-193): ERARGRALGA[Val183=]DKYRLRKKFP

ClinVar aggregate classification (germline): Benign/Likely benign. Review status: criteria provided, multiple submitters, no conflicts (2 of 4 stars). 4 submissions from 4 submitters: Benign (1); Likely benign (2). 1 of the submissions does not count toward it. Last evaluated 2025-09-08.

Conditions:
SIX5-related disorder. Also called: SIX5-related condition.
Branchiootorenal syndrome 2 (BOR2). Identifiers: Orphanet 107, MedGen C1970479, MONDO:0012575, OMIM 610896.

Allele frequency attached by ClinVar (database versions not stated): gnomAD exomes 0.00008 and 0.00022; ExAC 0.00033; 1000 Genomes Project 0.00060; 1000 Genomes Project 30x 0.00062; gnomAD 0.00078 and 0.00083; ESP Exome Variant Server 0.00085; TOPMed 0.00090.

Submissions (4):

Labcorp Genetics (formerly Invitae), Labcorp
Classification: Benign. Last evaluated: 2025-09-08. Review status: criteria provided, single submitter. Criteria: Invitae Variant Classification Sherloc (09022015). Collection method: clinical testing. Allele origin: germline.

Fulgent Genetics
Classification: Likely benign for Branchiootorenal syndrome 2. Last evaluated: 2021-12-28. Review status: criteria provided, single submitter. Criteria: ACMG Guidelines, 2015. Collection method: clinical testing. Allele origin: unknown.

Eurofins Ntd Llc (ga)
Classification: Likely benign. Last evaluated: 2018-03-27. Review status: criteria provided, single submitter. Criteria: EGL ClinVar v180209 classification definitions. Collection method: clinical testing. Allele origin: germline. Observed: 1 variant allele, 1 heterozygote.

PreventionGenetics, part of Exact Sciences
Classification: Likely benign for SIX5-related condition. Last evaluated: 2020-10-01. Review status: no assertion criteria provided. Collection method: clinical testing. Allele origin: germline. Not counted in ClinVar's aggregate classification.
Comment: This variant is classified as likely benign based on ACMG/AMP sequence variant interpretation guidelines (Richards et al. 2015 PMID: 25741868, with internal and published modifications).